The following is an entry in ClinVar:

NM_014028.4(OSTM1):c.692dup (p.Ser232fs)

Gene: OSTM1 (osteoclastogenesis associated transmembrane protein 1; minus strand). Cytogenetic location: 6q21.
Variant type: Duplication.
Coding change: c.692dup on transcript NM_014028.4 (MANE Select); coding-DNA position 692, one base duplicated (T; older notation c.692dupT).
Protein change: p.Ser232fs; shifts the reading frame from serine 232.
Molecular consequence: frameshift variant.
Genome position (GRCh38, 1-based): chr6:108,051,122, A duplicated on the plus strand (T on the coding strand, the reverse complement: OSTM1 is on the minus strand). VCF-style (leftmost placement, unchanged base first): chr6-108051121-C-CA. GRCh37 (hg19) VCF-style: chr6-108372325-C-CA.
Other names: short protein forms S232fs.
Identifiers: ClinVar variation 1453192 (VCV001453192.8), dbSNP rs2114593143, ClinGen allele CA2573140383.
Genomic context (GRCh38, chr6:108,051,121, plus strand): 5'-TCCAGGTTCAGCCTTATTCTCAAGTTCATTCATTTTTTGCATTTCACTGTACAGACTACT[C>CA]AGAGTTTTGTATGCTTCACGGCAGTTTTTGCATACTTCTGAATAATTTTTTGTCTGTAAA-3'

ClinVar aggregate classification (germline): Pathogenic. Review status: criteria provided, multiple submitters, no conflicts (2 of 4 stars). 2 submissions from 2 submitters: Pathogenic (2). Last evaluated 2025-05-02.

Conditions:
Autosomal recessive osteopetrosis 5. Identifiers: Orphanet 85179, MedGen C1968603, MONDO:0009817, OMIM 259720.

Submissions (2):

3billion
Classification: Pathogenic for Autosomal recessive osteopetrosis 5. Last evaluated: 2025-05-02. Review status: criteria provided, single submitter. Criteria: ACMG Guidelines, 2015. Collection method: clinical testing. Allele origin: germline. Affected: yes.
Comment: The variant is not observed in the gnomAD v4.1.0 dataset. Predicted Consequence/Location: Frameshift: predicted to result in a loss or disruption of normal protein function through nonsense-mediated decay (NMD) or protein truncation. Multiple pathogenic variants are reported downstream of the variant. The variant has been reported at least twice as pathogenic without evidence for the classification (ClinVar ID: VCV001453192 /3billion dataset). Therefore, this variant is classified as Pathogenic according to the recommendation of ACMG/AMP guideline.

Labcorp Genetics (formerly Invitae), Labcorp
Classification: Pathogenic. Last evaluated: 2021-05-20. Review status: criteria provided, single submitter. Criteria: Invitae Variant Classification Sherloc (09022015). Collection method: clinical testing. Allele origin: germline.
Comment: This sequence change creates a premature translational stop signal (p.Ser232Glufs*2) in the OSTM1 gene. It is expected to result in an absent or disrupted protein product. Loss-of-function variants in OSTM1 are known to be pathogenic (PMID: 12627228, 15108279, 16813530). For these reasons, this variant has been classified as Pathogenic. This variant has not been reported in the literature in individuals with OSTM1-related conditions. This variant is not present in population databases (ExAC no frequency).

Literature cited by the submitters: PubMed 12627228 (cited by Labcorp Genetics (formerly Invitae), Labcorp); PubMed 15108279 (cited by Labcorp Genetics (formerly Invitae), Labcorp); PubMed 16813530 (cited by Labcorp Genetics (formerly Invitae), Labcorp).